The following is an entry in ClinVar:

NM_021930.6(RINT1):c.1276A>G (p.Met426Val)

Gene: RINT1 (RAD50 interactor 1; plus strand). Cytogenetic location: 7q22.3.
Variant type: single nucleotide variant.
Coding change: c.1276A>G on transcript NM_021930.6 (MANE Select); coding-DNA position 1276, A replaced by G.
Protein change: p.Met426Val; replaces methionine 426 with valine.
Molecular consequence: missense variant. On other transcripts: non-coding transcript variant (1).
Genome position (GRCh38, 1-based): chr7:105,550,429, A>G. VCF-style: chr7-105550429-A-G. GRCh37 (hg19) VCF-style: chr7-105190876-A-G.
Other names: c.1042A>G, p.Met348Val (NM_001346599.2); c.253A>G, p.Met85Val (NM_001346600.2, NM_001346603.2); c.352A>G, p.Met118Val (NM_001346601.2); short protein forms M426V, M85V, M118V, M348V.
Identifiers: ClinVar variation 950783 (VCV000950783.12), dbSNP rs755160836, ClinGen allele CA4426633.

ClinVar aggregate classification (germline): Uncertain significance. Review status: criteria provided, multiple submitters, no conflicts (2 of 4 stars). 2 submissions from 2 submitters: Uncertain significance (2). Last evaluated 2025-02-03.

Allele frequency attached by ClinVar (database versions not stated): ExAC 0.00001; gnomAD 0.00001; gnomAD exomes 0.00001; TOPMed 0.00001.
gnomAD v4.1: 15 of 1,614,000 alleles (0.00093%); highest among the groups gnomAD compares: Admixed American, 0.0017%; no homozygotes.

Submissions (2):

Ambry Genetics
Classification: Uncertain significance. Last evaluated: 2025-02-03. Review status: criteria provided, single submitter. Criteria: Ambry Variant Classification Scheme 2023. Collection method: clinical testing. Allele origin: germline.
Comment: The p.M426V variant (also known as c.1276A>G), located in coding exon 9 of the RINT1 gene, results from an A to G substitution at nucleotide position 1276. The methionine at codon 426 is replaced by valine, an amino acid with highly similar properties. This amino acid position is conserved. In addition, this alteration is predicted to be tolerated by in silico analysis. Since supporting evidence is limited at this time, the clinical significance of this alteration remains unclear.

Labcorp Genetics (formerly Invitae), Labcorp
Classification: Uncertain significance. Last evaluated: 2019-10-29. Review status: criteria provided, single submitter. Criteria: Invitae Variant Classification Sherloc (09022015). Collection method: clinical testing. Allele origin: germline.
Comment: This sequence change replaces methionine with valine at codon 426 of the RINT1 protein (p.Met426Val). The methionine residue is highly conserved and there is a small physicochemical difference between methionine and valine. This variant is present in population databases (rs755160836, ExAC 0.009%) but has not been reported in the literature in individuals with a RINT1-related disease. Algorithms developed to predict the effect of missense changes on protein structure and function (SIFT, PolyPhen-2, Align-GVGD) all suggest that this variant is likely to be tolerated, but these predictions have not been confirmed by published functional studies. In summary, this variant is a rare missense change that is not predicted to affect protein function. There is no indication that it causes disease, but the available evidence is currently insufficient to prove that conclusively. Therefore, it has been classified as a Variant of Uncertain Significance.